The following is an entry in ClinVar:

NM_005548.3(KARS1):c.170A>T (p.Asn57Ile)

Gene: KARS1 (lysyl-tRNA synthetase 1; minus strand). Cytogenetic location: 16q23.1.
Variant type: single nucleotide variant.
Coding change: c.170A>T on transcript NM_005548.3 (MANE Select); coding-DNA position 170, A replaced by T.
Protein change: p.Asn57Ile; replaces asparagine 57 with isoleucine.
Molecular consequence: missense variant. On other transcripts: 5 prime UTR variant (1).
Genome position (GRCh38, 1-based): chr16:75,641,616, T>A on the plus strand (A>T on the coding strand, the complement: KARS1 is on the minus strand). VCF-style: chr16-75641616-T-A. GRCh37 (hg19) VCF-style: chr16-75675514-T-A.
Other names: c.254A>T, p.Asn85Ile (NM_001130089.2); c.-299A>T (NM_001378148.1); short protein forms N85I, N57I.
Identifiers: ClinVar variation 517619 (VCV000517619.9), dbSNP rs117041419, ClinGen allele CA8177730.

ClinVar aggregate classification (germline): Uncertain significance. Review status: criteria provided, multiple submitters, no conflicts (2 of 4 stars). 3 submissions from 3 submitters: Uncertain significance (3). Last evaluated 2025-02-26.

Allele frequency attached by ClinVar (database versions not stated): TOPMed 0.00006.
gnomAD v4.1: 24 of 1,613,818 alleles (0.0015%); highest among the groups gnomAD compares: South Asian, 0.0077%; no homozygotes.

Submissions (3):

GeneDx
Classification: Uncertain significance. Last evaluated: 2025-02-26. Review status: criteria provided, single submitter. Criteria: GeneDx Variant Classification Process June 2021. Collection method: clinical testing. Allele origin: germline. Affected: yes.
Comment: Not observed at significant frequency in large population cohorts (gnomAD); In silico analysis indicates that this missense variant does not alter protein structure/function; Has not been previously published as pathogenic or benign to our knowledge

Ambry Genetics
Classification: Uncertain significance. Last evaluated: 2023-03-27. Review status: criteria provided, single submitter. Criteria: Ambry Variant Classification Scheme 2023. Collection method: clinical testing. Allele origin: germline.

Laboratory for Molecular Medicine, Mass General Brigham Personalized Medicine
Classification: Uncertain significance. Last evaluated: 2017-10-03. Review status: criteria provided, single submitter. Criteria: LMM Criteria. Collection method: clinical testing. Allele origin: germline. Observed: 1 variant allele.
Comment: The p.Asn85Ile variant in KARS has not been previously reported in individuals w ith hearing loss, but has been identified in 1/30782 South Asian chromosome by t he Genome Aggregation Database (gnomAD; dbSNP rs117041419). Although this variant has been seen in the general population, its frequency is low enough to be consistent with a recessive carrier frequency. Co mputational prediction tools and conservation analysis do not provide strong sup port for or against an impact to the protein. In summary, the clinical significa nce of the p.Asn85Ile variant is uncertain. ACMG/AMP Criteria applied: PM2 (Rich ards 2015).